The following is an entry in ClinVar:

NM_020461.4(TUBGCP6):c.2108G>A (p.Arg703His)

Gene: TUBGCP6 (tubulin gamma complex component 6; minus strand). Cytogenetic location: 22q13.33.
Variant type: single nucleotide variant.
Coding change: c.2108G>A on transcript NM_020461.4 (MANE Select); coding-DNA position 2108, G replaced by A.
Protein change: p.Arg703His; replaces arginine 703 with histidine.
Molecular consequence: missense variant.
Genome position (GRCh38, 1-based): chr22:50,224,378, C>T on the plus strand (G>A on the coding strand, the complement: TUBGCP6 is on the minus strand). VCF-style: chr22-50224378-C-T. GRCh37 (hg19) VCF-style: chr22-50662807-C-T.
Other names: c.2108G>A (NM_020461.3); short protein forms R703H.
Identifiers: ClinVar variation 1485985 (VCV001485985.4), dbSNP rs148935356, ClinGen allele CA10308347.

ClinVar aggregate classification (germline): Uncertain significance. Review status: criteria provided, multiple submitters, no conflicts (2 of 4 stars). 2 submissions from 2 submitters: Uncertain significance (2). Last evaluated 2025-06-06.

Conditions:
Inborn genetic diseases. Identifiers: MedGen C0950123, MeSH D030342.

Allele frequency attached by ClinVar (database versions not stated): gnomAD exomes below 0.00001 and 0.00001; ExAC 0.00001; TOPMed 0.00005; gnomAD 0.00007 and 0.00004; ESP Exome Variant Server 0.00008.
gnomAD v4.1: 19 of 1,614,238 alleles (0.0012%); highest among the groups gnomAD compares: Middle Eastern, 0.016%; no homozygotes.

Submissions (2):

Ambry Genetics
Classification: Uncertain significance for Inborn genetic diseases. Last evaluated: 2025-06-06. Review status: criteria provided, single submitter. Criteria: Ambry Variant Classification Scheme 2023. Collection method: clinical testing. Allele origin: germline.

Labcorp Genetics (formerly Invitae), Labcorp
Classification: Uncertain significance. Last evaluated: 2022-09-13. Review status: criteria provided, single submitter. Criteria: Invitae Variant Classification Sherloc (09022015). Collection method: clinical testing. Allele origin: germline.
Comment: This sequence change replaces arginine, which is basic and polar, with histidine, which is basic and polar, at codon 703 of the TUBGCP6 protein (p.Arg703His). This variant is present in population databases (rs148935356, gnomAD 0.007%). This variant has not been reported in the literature in individuals affected with TUBGCP6-related conditions. ClinVar contains an entry for this variant (Variation ID: 1485985). Algorithms developed to predict the effect of missense changes on protein structure and function are either unavailable or do not agree on the potential impact of this missense change (SIFT: "Deleterious"; PolyPhen-2: "Probably Damaging"; Align-GVGD: "Class C0"). In summary, the available evidence is currently insufficient to determine the role of this variant in disease. Therefore, it has been classified as a Variant of Uncertain Significance.